The following is an entry in ClinVar:

ClinVar aggregate classification (germline): Likely benign. Review status: criteria provided, single submitter (1 of 4 stars). 2 submissions from 2 submitters: Likely benign (1). 1 of the submissions does not count toward it. Last evaluated 2024-08-26.

Conditions:
CSNK2B-related disorder. Also called: CSNK2B-related condition.

Allele frequency attached by ClinVar (database versions not stated): ESP Exome Variant Server 0.00008; 1000 Genomes Project 30x 0.00031; 1000 Genomes Project 0.00040.
gnomAD v4.1: 44 of 1,614,132 alleles (0.0027%); highest among the groups gnomAD compares: African/African-American, 0.024%; no homozygotes.

Submissions (2):

Blueprint Genetics
Classification: Likely benign. Last evaluated: 2024-08-26. Review status: criteria provided, single submitter. Criteria: ACMG Guidelines, 2015. Collection method: clinical testing. Allele origin: germline.

PreventionGenetics, part of Exact Sciences
Classification: Likely benign for CSNK2B-related condition. Last evaluated: 2019-09-05. Review status: no assertion criteria provided. Collection method: clinical testing. Allele origin: germline. Not counted in ClinVar's aggregate classification.
Comment: This variant is classified as likely benign based on ACMG/AMP sequence variant interpretation guidelines (Richards et al. 2015 PMID: 25741868, with internal and published modifications).

NM_001320.7(CSNK2B):c.462G>A (p.Thr154=)

Gene: CSNK2B (casein kinase 2 beta; plus strand). Cytogenetic location: 6p21.33.
Variant type: single nucleotide variant.
Coding change: c.462G>A on transcript NM_001320.7 (MANE Select); coding-DNA position 462, G replaced by A.
Protein change: p.Thr154=; no amino-acid change (threonine 154 retained).
Molecular consequence: synonymous variant.
Genome position (GRCh38, 1-based): chr6:31,669,413, G>A. VCF-style: chr6-31669413-G-A. GRCh37 (hg19) VCF-style: chr6-31637190-G-A.
Other names: c.453G>A, p.Thr151= (NM_001282385.2).
Identifiers: ClinVar variation 3052733 (VCV003052733.3), dbSNP rs143237802, ClinGen allele CA3718683.
Genomic context (GRCh38, chr6:31,669,413, plus strand): 5'-GCTCTACTGCCCCAAGTGCATGGATGTGTACACACCCAAGTCATCAAGACACCATCACAC[G>A]GATGGCGCCTACTTCGGCACTGGTTTCCCTCACATGCTCTTCATGGTGCATCCCGAGTAC-3'
Protein context (NP_001311.3, residues 144-164): YTPKSSRHHH[Thr154=]DGAYFGTGFP